The following is an entry in ClinVar:

NM_197968.4(ZMYM2):c.3158G>A (p.Gly1053Glu)

Gene: ZMYM2 (zinc finger MYM-type containing 2; plus strand). Cytogenetic location: 13q12.11.
Variant type: single nucleotide variant.
Coding change: c.3158G>A on transcript NM_197968.4 (MANE Select); coding-DNA position 3158, G replaced by A.
Protein change: p.Gly1053Glu; replaces glycine 1053 with glutamic acid.
Molecular consequence: missense variant. On other transcripts: non-coding transcript variant (1).
Genome position (GRCh38, 1-based): chr13:20,066,876, G>A. VCF-style: chr13-20066876-G-A. GRCh37 (hg19) VCF-style: chr13-20641016-G-A.
Other names: c.3158G>A, p.Gly1053Glu (NM_003453.6, NM_001190964.4, NM_001190965.4 and 5 more transcripts); c.2963G>A, p.Gly988Glu (NM_001353161.3); c.2897G>A, p.Gly966Glu (NM_001353163.2); short protein forms G1053E, G966E, G988E.
Identifiers: ClinVar variation 4852752 (VCV004852752.3).
Genomic context (GRCh38, chr13:20,066,876, plus strand): 5'-AAAAAAGATATTATTATGGTGTTTTTTACTAATAGGGAGCCAAGAGAAAGGCTGTATCAG[G>A]ATACCAGTCTCATGATGATAGTTCTGACAATTCAGAATGCAGCTTTCCTTTCAAATATAC-3'
Protein context (NP_932072.1, residues 1043-1063): KKGAKRKAVS[Gly1053Glu]YQSHDDSSDN

ClinVar aggregate classification (germline): Conflicting classifications of pathogenicity. Review status: criteria provided, conflicting classifications (1 of 4 stars). 2 submissions from 2 submitters: Uncertain significance (1); Likely benign (1). Last evaluated 2026-08-06.

Conditions:
Neurodevelopmental-craniofacial syndrome with variable renal and cardiac abnormalities. Identifiers: MedGen C5561984, MONDO:0859190, OMIM 619522.

Submissions (2):

OLLIN Analises Genomicas, OLLIN
Classification: Uncertain significance for Neurodevelopmental-craniofacial syndrome with variable renal and cardiac abnormalities. Last evaluated: 2026-08-06. Review status: criteria provided, single submitter. Criteria: ACMG Guidelines 2015 PMID 25741868. Collection method: clinical testing. Allele origin: germline. Inheritance: Autosomal dominant inheritance.
Comment: This missense variant, located in exon 20 (of 25), is absent from gnomAD and has not been identified in the literature. However, it has been reported in ClinVar (accession VCV004852752.1). In silico analysis predicts that this variant has a tolerated effect. According to the currently available evidence, this variant has been classified as uncertain significance (PM2_P, BP4_M).

Dasa
Classification: Likely benign. Last evaluated: 2025-10-07. Review status: criteria provided, single submitter. Criteria: DASA Assertion Criteria. Collection method: clinical testing. Allele origin: germline.
Comment: NM_197968.4(ZMYM2):c.3158G>A (p.Gly1053Glu) is a missense variant that results in the substitution of glycine with glutamic acid. The variant context is inconsistent with a known disease-causing mechanism. Computational prediction algorithms are consistent with a benign effect. Therefore, based on the currently available evidence, this variant is classified as likely benign.